The following is an entry in ClinVar:

NM_001101362.3(KBTBD13):c.1249G>C (p.Glu417Gln)

Gene: KBTBD13 (kelch repeat and BTB domain containing 13; plus strand). Cytogenetic location: 15q22.31.
Variant type: single nucleotide variant.
Coding change: c.1249G>C on transcript NM_001101362.3 (MANE Select); coding-DNA position 1249, G replaced by C.
Protein change: p.Glu417Gln; replaces glutamic acid 417 with glutamine.
Molecular consequence: missense variant.
Genome position (GRCh38, 1-based): chr15:65,078,064, G>C. VCF-style: chr15-65078064-G-C. GRCh37 (hg19) VCF-style: chr15-65370402-G-C.
Other names: short protein forms E417Q.
Identifiers: ClinVar variation 2723477 (VCV002723477.4), dbSNP rs1319872121, ClinGen allele CA392866975.

ClinVar aggregate classification (germline): Uncertain significance. Review status: criteria provided, multiple submitters, no conflicts (2 of 4 stars). 2 submissions from 2 submitters: Uncertain significance (2). Last evaluated 2024-10-24.

Conditions:
Inborn genetic diseases. Identifiers: MedGen C0950123, MeSH D030342.
Nemaline myopathy 6 (NEM6). Also called: Nemaline myopathy 6, autosomal dominant. Identifiers: Orphanet 171439, MedGen C1836472, MONDO:0012237, OMIM 609273.

Allele frequency attached by ClinVar (database versions not stated): TOPMed 0.00001.
gnomAD v4.1: 2 of 1,600,328 alleles (0.00012%); highest among the groups gnomAD compares: Admixed American, 0.0017%; no homozygotes.

Submissions (2):

Ambry Genetics
Classification: Uncertain significance for Inborn genetic diseases. Last evaluated: 2024-10-24. Review status: criteria provided, single submitter. Criteria: Ambry Variant Classification Scheme 2023. Collection method: clinical testing. Allele origin: germline.

Labcorp Genetics (formerly Invitae), Labcorp
Classification: Uncertain significance for Nemaline myopathy 6. Last evaluated: 2024-06-30. Review status: criteria provided, single submitter. Criteria: Invitae Variant Classification Sherloc (09022015). Collection method: clinical testing. Allele origin: germline.
Comment: This sequence change replaces glutamic acid, which is acidic and polar, with glutamine, which is neutral and polar, at codon 417 of the KBTBD13 protein (p.Glu417Gln). This variant is present in population databases (no rsID available, gnomAD 0.003%). This variant has not been reported in the literature in individuals affected with KBTBD13-related conditions. An algorithm developed to predict the effect of missense changes on protein structure and function (PolyPhen-2) suggests that this variant is likely to be disruptive. In summary, the available evidence is currently insufficient to determine the role of this variant in disease. Therefore, it has been classified as a Variant of Uncertain Significance.